The following is an entry in ClinVar:

NM_022455.5(NSD1):c.2834C>A (p.Ser945Tyr)

Gene: NSD1 (nuclear receptor binding SET domain protein 1; plus strand). Cytogenetic location: 5q35.3.
Variant type: single nucleotide variant.
Coding change: c.2834C>A on transcript NM_022455.5 (MANE Select); coding-DNA position 2834, C replaced by A.
Protein change: p.Ser945Tyr; replaces serine 945 with tyrosine.
Molecular consequence: missense variant.
Genome position (GRCh38, 1-based): chr5:177,211,233, C>A. VCF-style: chr5-177211233-C-A. GRCh37 (hg19) VCF-style: chr5-176638234-C-A.
Other names: c.1961C>A, p.Ser654Tyr (NM_001409309.1, NM_172349.5, NM_001365684.2 and 3 more transcripts); c.2834C>A, p.Ser945Tyr (NM_001409301.1, NM_001409302.1, NM_001409303.1); c.2414C>A, p.Ser805Tyr (NM_001409304.1); c.2081C>A, p.Ser694Tyr (NM_001409305.1); short protein forms S676Y, S945Y, S694Y, S805Y, S654Y.
Identifiers: ClinVar variation 931084 (VCV000931084.4), dbSNP rs2095343853, ClinGen allele CA362320584.

ClinVar aggregate classification (germline): Uncertain significance (1 of 4 stars; one submission).

Conditions:
Sotos syndrome (SOTOS). Also called: Sotos' syndrome; CHROMOSOME 5q35 DELETION SYNDROME; SOTOS SYNDROME 1; CEREBRAL GIGANTISM; Distinctive facial appearance, overgrowth in childhood, and learning disabilities or delayed development. Identifiers: Orphanet 821, MedGen C0175695, MONDO:0019349, OMIM 117550.

Allele frequency attached by ClinVar (database versions not stated): gnomAD exomes below 0.00001.
gnomAD v4.1: 2 of 1,613,940 alleles (0.00012%); highest among the groups gnomAD compares: Non-Finnish European, 0.00017%; no homozygotes.

Submission:

Centre for Mendelian Genomics, University Medical Centre Ljubljana
Classification: Uncertain significance for Sotos syndrome. Last evaluated: 2019-05-06. Review status: criteria provided, single submitter. Criteria: ACMG Guidelines, 2015. Collection method: clinical testing. Allele origin: unknown. Affected: yes.
Comment: This variant was classified as: Uncertain significance. The available evidence on this variant's pathogenicity is insufficient or conflicting. The following ACMG criteria were applied in classifying this variant: PM2,PP3.